The following is an entry in ClinVar:

NM_000038.6(APC):c.4971A>G (p.Leu1657=)

Gene: APC (APC regulator of Wnt signaling pathway; plus strand). Cytogenetic location: 5q22.2.
Variant type: single nucleotide variant.
Coding change: c.4971A>G on transcript NM_000038.6 (MANE Select); coding-DNA position 4971, A replaced by G.
Protein change: p.Leu1657=; no amino-acid change (leucine 1657 retained).
Molecular consequence: synonymous variant.
Genome position (GRCh38, 1-based): chr5:112,840,565, A>G. VCF-style: chr5-112840565-A-G. GRCh37 (hg19) VCF-style: chr5-112176262-A-G.
Other names: c.5001A>G, p.Leu1667= (NM_001354897.2); c.4896A>G, p.Leu1632= (NM_001354898.2); c.4887A>G, p.Leu1629= (NM_001354899.2); c.4848A>G, p.Leu1616= (NM_001354900.2); c.4794A>G, p.Leu1598= (NM_001354901.2); c.4698A>G, p.Leu1566= (NM_001354902.2); c.4668A>G, p.Leu1556= (NM_001354903.2); c.4593A>G, p.Leu1531= (NM_001354904.2); and 5 more.
Identifiers: ClinVar variation 1133902 (VCV001133902.13), dbSNP rs2149928876, ClinGen allele CA446208730.

ClinVar aggregate classification (germline): Benign/Likely benign. Review status: criteria provided, multiple submitters, no conflicts (2 of 4 stars). 4 submissions from 4 submitters: Benign (1); Likely benign (3). Last evaluated 2024-07-19.

Conditions:
Classic or attenuated familial adenomatous polyposis. Identifiers: MedGen CN372698, MONDO:0021057.
Hereditary cancer-predisposing syndrome. Also called: Neoplastic Syndromes, Hereditary; Hereditary Cancer Syndrome; Tumor predisposition; Hereditary neoplastic syndrome. Identifiers: Orphanet 140162, MedGen C0027672, MeSH D009386, MONDO:0015356.
Familial adenomatous polyposis 1 (FAP1). Also called: FAMILIAL ADENOMATOUS POLYPOSIS 1, ATTENUATED; POLYPOSIS, ADENOMATOUS INTESTINAL. Identifiers: MedGen C2713442, MONDO:0021056, OMIM 175100. Disease mechanism: loss of function.

Submissions (4):

Labcorp Genetics (formerly Invitae), Labcorp
Classification: Likely benign for Familial adenomatous polyposis 1. Last evaluated: 2024-07-19. Review status: criteria provided, single submitter. Criteria: Invitae Variant Classification Sherloc (09022015). Collection method: clinical testing. Allele origin: germline.

Myriad Genetics, Inc.
Classification: Benign for Familial adenomatous polyposis 1. Last evaluated: 2024-03-28. Review status: criteria provided, single submitter. Criteria: Myriad Autosomal Dominant, Autosomal Recessive and X-Linked Classification Criteria (2023). Collection method: clinical testing. Allele origin: unknown.
Comment: This variant is considered benign. This variant is a silent/synonymous amino acid change and it is not expected to impact splicing.

All of Us Research Program, National Institutes of Health
Classification: Likely benign for Classic or attenuated familial adenomatous polyposis. Last evaluated: 2023-10-23. Review status: criteria provided, single submitter. Criteria: ACMG Guidelines, 2015. Collection method: clinical testing. Allele origin: germline. Inheritance: Autosomal dominant inheritance. Observed: 1 variant allele, 1 heterozygote.
Comment: This study involves interpretation of variants in research participants for the purpose of population health screening. Participant phenotype was not available at the time of variant classification. Additional details can be found in publication PMID: 35346344, PMCID: PMC8962531

Ambry Genetics
Classification: Likely benign for Hereditary cancer-predisposing syndrome. Last evaluated: 2021-10-01. Review status: criteria provided, single submitter. Criteria: Ambry Variant Classification Scheme 2023. Collection method: clinical testing. Allele origin: germline.